The following is an entry in ClinVar:

ClinVar aggregate classification (germline): Uncertain significance (1 of 4 stars; one submission).

Conditions:
Familial cancer of breast. Also called: hereditary breast carcinoma; BREAST CANCER, FAMILIAL; Hereditary breast cancer. Identifiers: Orphanet 227535, MedGen C0346153, MONDO:0016419, OMIM 114480. Disease mechanism: loss of function.

Allele frequency attached by ClinVar (database versions not stated): ExAC 0.00001; gnomAD exomes 0.00001.
gnomAD v4.1: 4 of 1,612,622 alleles (0.00025%); highest among the groups gnomAD compares: South Asian, 0.0044%; no homozygotes.

Submission:

Labcorp Genetics (formerly Invitae), Labcorp
Classification: Uncertain significance for Familial cancer of breast. Last evaluated: 2022-02-04. Review status: criteria provided, single submitter. Criteria: Invitae Variant Classification Sherloc (09022015). Collection method: clinical testing. Allele origin: germline.
Comment: This sequence change falls in intron 6 of the BARD1 gene. It does not directly change the encoded amino acid sequence of the BARD1 protein. It affects a nucleotide within the consensus splice site. This variant is present in population databases (rs781268123, gnomAD 0.006%). This variant has not been reported in the literature in individuals affected with BARD1-related conditions. ClinVar contains an entry for this variant (Variation ID: 574307). Variants that disrupt the consensus splice site are a relatively common cause of aberrant splicing (PMID: 17576681, 9536098). Algorithms developed to predict the effect of sequence changes on RNA splicing suggest that this variant may disrupt the consensus splice site. In summary, the available evidence is currently insufficient to determine the role of this variant in disease. Therefore, it has been classified as a Variant of Uncertain Significance.

Literature cited by the submitters: PubMed 17576681; PubMed 9536098.

NM_000465.4(BARD1):c.1568+4A>G

Gene: BARD1 (BRCA1 associated RING domain 1; minus strand). Cytogenetic location: 2q35.
Variant type: single nucleotide variant.
Coding change: c.1568+4A>G on transcript NM_000465.4 (MANE Select); 4 bases into the intron after coding-DNA position 1568, A replaced by G.
Molecular consequence: intron variant.
Genome position (GRCh38, 1-based): chr2:214,767,478, T>C on the plus strand (A>G on the coding strand, the complement: BARD1 is on the minus strand). VCF-style: chr2-214767478-T-C. GRCh37 (hg19) VCF-style: chr2-215632202-T-C.
Other names: c.1568+4A>G (LRG_297t1); c.159-14923A>G (NM_001282548.2); c.1511+4A>G (NM_001282543.2); c.216-14923A>G (NM_001282545.2); c.364+24819A>G (NM_001282549.2).
Identifiers: ClinVar variation 574307 (VCV000574307.7), dbSNP rs781268123, ClinGen allele CA2090237.